The following is an entry in ClinVar:

NM_000037.4(ANK1):c.2538del (p.Phe846fs)

Gene: ANK1 (ankyrin 1; minus strand). Cytogenetic location: 8p11.21.
Variant type: Deletion.
Coding change: c.2538del on transcript NM_000037.4 (MANE Select); coding-DNA position 2538, one base deleted (T; older notation c.2538delT).
Protein change: p.Phe846fs; shifts the reading frame from phenylalanine 846.
Molecular consequence: frameshift variant.
Genome position (GRCh38, 1-based): chr8:41,699,472, A deleted on the plus strand (T on the coding strand, the reverse complement: ANK1 is on the minus strand); the first of 4 consecutive A bases (chr8:41,699,472-41,699,475); deleting any one gives the same sequence. VCF-style (leftmost placement, unchanged base first): chr8-41699471-CA-C. GRCh37 (hg19) VCF-style: chr8-41556989-CA-C.
Other names: c.2661del, p.Phe887fs (NM_001142446.2); c.2538del, p.Phe846fs (NM_020475.3, NM_020476.3, NM_020477.3); short protein forms F846fs, F887fs.
Identifiers: ClinVar variation 3384117 (VCV003384117.1).
Genomic context (GRCh38, chr8:41,699,471, plus strand): 5'-ATCTCGGCACCCCCGGGGACCCTCCCGGGAGCACTGCTCACACTTGGTCTAGCTTCGGCA[CA>C]AAATCCAGCAGCTCCTTCTCTTCATCAACATCCCTGGAATCCCGCCTCTCAGCCTTGAAG-3'

ClinVar aggregate classification (germline): Pathogenic (1 of 4 stars; one submission).

Conditions:
Spherocytosis. Identifiers: MedGen C0553720, HP:0004444.

Submission:

Dubai Health Genomic Medicine Center, Dubai Health
Classification: Pathogenic for Spherocytosis. Last evaluated: 2024-10-04. Review status: criteria provided, single submitter. Criteria: ACMG Guidelines, 2015. Collection method: research. Allele origin: germline. Affected: yes.
Comment: PVS1,PP4,PM2